The following is an entry in ClinVar:

ClinVar aggregate classification (germline): Uncertain significance (1 of 4 stars; one submission).

Conditions:
Nemaline myopathy 2 (NEM2). Also called: Nemaline myopathy 2, autosomal recessive. Identifiers: MedGen C1850569, MONDO:0009725, OMIM 256030.

Submission:

Labcorp Genetics (formerly Invitae), Labcorp
Classification: Uncertain significance for Nemaline myopathy 2. Last evaluated: 2017-07-23. Review status: criteria provided, single submitter. Criteria: Invitae Variant Classification Sherloc (09022015). Collection method: clinical testing. Allele origin: germline.
Comment: In summary, the available evidence is currently insufficient to determine the role of this variant in disease. Therefore, it has been classified as a Variant of Uncertain Significance. Algorithms developed to predict the effect of missense changes on protein structure and function do not agree on the potential impact of this missense change (SIFT: "Deleterious"; PolyPhen-2: "unavailable"; Align-GVGD: "Class C0"). This variant has not been reported in the literature in individuals with NEB-related disease. This variant is not present in population databases (ExAC no frequency). This sequence change replaces threonine with proline at codon 5725 of the NEB protein (p.Thr5725Pro). The threonine residue is moderately conserved and there is a small physicochemical difference between threonine and proline.

NM_001164508.2(NEB):c.17173A>C (p.Thr5725Pro)

Gene: NEB (nebulin; minus strand). Cytogenetic location: 2q23.3.
Variant type: single nucleotide variant.
Coding change: c.17173A>C on transcript NM_001164508.2 (MANE Select); coding-DNA position 17173, A replaced by C.
Protein change: p.Thr5725Pro; replaces threonine 5725 with proline.
Molecular consequence: missense variant.
Genome position (GRCh38, 1-based): chr2:151,570,338, T>G on the plus strand (A>C on the coding strand, the complement: NEB is on the minus strand). VCF-style: chr2-151570338-T-G. GRCh37 (hg19) VCF-style: chr2-152426852-T-G.
Other names: c.17173A>C, p.Thr5725Pro (NM_001164507.2, NM_001271208.2); c.12070A>C, p.Thr4024Pro (NM_004543.5); short protein forms T4024P, T5725P.
Identifiers: ClinVar variation 1043042 (VCV001043042.8), dbSNP rs2096580140, ClinGen allele CA348808335.